The following is an entry in ClinVar:

ClinVar aggregate classification (germline): Uncertain significance. Review status: criteria provided, multiple submitters, no conflicts (2 of 4 stars). 3 submissions from 3 submitters: Uncertain significance (3). Last evaluated 2026-01-11.

Conditions:
Cystic fibrosis (CF). Also called: MUCOVISCIDOSIS. Identifiers: Orphanet 586, MedGen C0010674, MONDO:0009061, OMIM 219700. Disease mechanism: loss of function.

Allele frequency attached by ClinVar (database versions not stated): gnomAD exomes below 0.00001.
gnomAD v4.1: 2 of 1,542,200 alleles (0.00013%); highest among the groups gnomAD compares: Non-Finnish European, 0.00017%; no homozygotes.

Submissions (3):

Women's Health and Genetics/Laboratory Corporation of America, LabCorp
Classification: Uncertain significance. Last evaluated: 2026-01-11. Review status: criteria provided, single submitter. Criteria: LabCorp Variant Classification Summary - May 2015. Collection method: clinical testing. Allele origin: germline.
Comment: Variant summary: CFTR c.2483A>G (p.Asp828Gly) results in a non-conservative amino acid change located in the CFTR regulator domain (IPR025837) of the encoded protein sequence. Algorithms developed to predict the effect of missense changes on protein structure and function all suggest that this variant is likely to be disruptive. The variant was absent in 193952 control chromosomes. The available data on variant occurrences in the general population are insufficient to allow any conclusion about variant significance. c.2483A>G has been reported in the literature in an individual with a clinical diagnosis of Cystic Fibrosis who was identified as a false-negative case missed by a newborn screening program (Hale_2010). This report does not provide unequivocal conclusions about association of the variant with Cystic Fibrosis. To our knowledge, no experimental evidence demonstrating an impact on protein function has been reported. The following publication has been ascertained in the context of this evaluation (PMID: 20521170). Based on the evidence outlined above, the variant was classified as uncertain significance.

Ambry Genetics
Classification: Uncertain significance for Cystic fibrosis. Last evaluated: 2024-03-22. Review status: criteria provided, single submitter. Criteria: Ambry Variant Classification Scheme 2023. Collection method: clinical testing. Allele origin: germline.
Comment: The p.D828G variant (also known as c.2483A>G), located in coding exon 14 of the CFTR gene, results from an A to G substitution at nucleotide position 2483. The aspartic acid at codon 828 is replaced by glycine, an amino acid with similar properties. This variant has been identified in conjunction with another CFTR variant in an individual with features consistent with cystic fibrosis or CFTR-related disorders; however, the phase of the two variants was not specified (Hale JE et al. J Inherit Metab Dis, 2010 Oct;33:S255-61). This amino acid position is highly conserved in available vertebrate species. In addition, this alteration is predicted to be deleterious by in silico analysis. Based on the available evidence, the clinical significance of this alteration remains unclear.

Labcorp Genetics (formerly Invitae), Labcorp
Classification: Uncertain significance for Cystic fibrosis. Last evaluated: 2022-03-07. Review status: criteria provided, single submitter. Criteria: Invitae Variant Classification Sherloc (09022015). Collection method: clinical testing. Allele origin: germline.
Comment: This sequence change replaces aspartic acid, which is acidic and polar, with glycine, which is neutral and non-polar, at codon 828 of the CFTR protein (p.Asp828Gly). This variant is not present in population databases (gnomAD no frequency). This variant has not been reported in the literature in individuals affected with CFTR-related conditions. Algorithms developed to predict the effect of missense changes on protein structure and function (SIFT, PolyPhen-2, Align-GVGD) all suggest that this variant is likely to be tolerated. In summary, the available evidence is currently insufficient to determine the role of this variant in disease. Therefore, it has been classified as a Variant of Uncertain Significance.

Literature cited by the submitters: PubMed 20521170 (cited by Women's Health and Genetics/Laboratory Corporation of America, LabCorp and Ambry Genetics).

NM_000492.4(CFTR):c.2483A>G (p.Asp828Gly)

Gene: CFTR (CF transmembrane conductance regulator; plus strand). Cytogenetic location: 7q31.2.
Variant type: single nucleotide variant.
Coding change: c.2483A>G on transcript NM_000492.4 (MANE Select); coding-DNA position 2483, A replaced by G.
Protein change: p.Asp828Gly; replaces aspartic acid 828 with glycine.
Molecular consequence: missense variant.
Genome position (GRCh38, 1-based): chr7:117,592,650, A>G. VCF-style: chr7-117592650-A-G. GRCh37 (hg19) VCF-style: chr7-117232704-A-G.
Other names: short protein forms D828G.
Identifiers: ClinVar variation 2182436 (VCV002182436.5), dbSNP rs1000104971, ClinGen allele CA164948434.